The following is an entry in ClinVar:

ClinVar aggregate classification (germline): Uncertain significance. Review status: criteria provided, multiple submitters, no conflicts (2 of 4 stars). 2 submissions from 2 submitters: Uncertain significance (2). Last evaluated 2025-08-22.

Conditions:
Tietz syndrome (TADS). Also called: ALBINISM-DEAFNESS OF TIETZ; HYPOPIGMENTATION/DEAFNESS OF TIETZ; TIETZ ALBINISM-DEAFNESS SYNDROME. Identifiers: Orphanet 42665, MedGen C0391816, MONDO:0007077, OMIM 103500.
Waardenburg syndrome type 2A (WS2A). Also called: WAARDENBURG SYNDROME WITHOUT DYSTOPIA CANTHORUM. Identifiers: Orphanet 3440, MedGen C1860339, MONDO:0008671, OMIM 193510.
Melanoma, cutaneous malignant, susceptibility to, 8. Also called: MELANOMA AND RENAL CELL CARCINOMA, SUSCEPTIBILITY TO; Cutaneous malignant melanoma 8. Identifiers: Orphanet 293822, MedGen C3152204, MONDO:0013759, OMIM 614456.
Hereditary cancer-predisposing syndrome. Also called: Tumor predisposition; Neoplastic Syndromes, Hereditary; Hereditary neoplastic syndrome; Hereditary Cancer Syndrome. Identifiers: Orphanet 140162, MedGen C0027672, MeSH D009386, MONDO:0015356.

Submissions (2):

Ambry Genetics
Classification: Uncertain significance for Hereditary cancer-predisposing syndrome. Last evaluated: 2025-08-22. Review status: criteria provided, single submitter. Criteria: Ambry Variant Classification Scheme 2023. Collection method: clinical testing. Allele origin: germline.
Comment: The p.M290T variant (also known as c.869T>C), located in coding exon 9 of the MITF gene, results from a T to C substitution at nucleotide position 869. The methionine at codon 290 is replaced by threonine, an amino acid with similar properties. This amino acid position is conserved. In addition, the in silico prediction for this alteration is inconclusive. Based on the available evidence, the clinical significance of this variant remains unclear.

Labcorp Genetics (formerly Invitae), Labcorp
Classification: Uncertain significance for Melanoma, cutaneous malignant, susceptibility to, 8; Waardenburg syndrome type 2A; Tietz syndrome. Last evaluated: 2025-06-27. Review status: criteria provided, single submitter. Criteria: Invitae Variant Classification Sherloc (09022015). Collection method: clinical testing. Allele origin: germline.
Comment: This sequence change replaces methionine, which is neutral and non-polar, with threonine, which is neutral and polar, at codon 290 of the MITF protein (p.Met290Thr). This variant is not present in population databases (gnomAD no frequency). This variant has not been reported in the literature in individuals affected with MITF-related conditions. Invitae Evidence Modeling of protein sequence and biophysical properties (such as structural, functional, and spatial information, amino acid conservation, physicochemical variation, residue mobility, and thermodynamic stability) indicates that this missense variant is not expected to disrupt MITF protein function with a negative predictive value of 80%. In summary, the available evidence is currently insufficient to determine the role of this variant in disease. Therefore, it has been classified as a Variant of Uncertain Significance.

NM_001354604.2(MITF):c.1190T>C (p.Met397Thr)

Gene: MITF (melanocyte inducing transcription factor; plus strand). Cytogenetic location: 3p13.
Variant type: single nucleotide variant.
Coding change: c.1190T>C on transcript NM_001354604.2 (MANE Select); coding-DNA position 1190, T replaced by C.
Protein change: p.Met397Thr; replaces methionine 397 with threonine.
Molecular consequence: missense variant.
Genome position (GRCh38, 1-based): chr3:69,964,857, T>C. VCF-style: chr3-69964857-T-C. GRCh37 (hg19) VCF-style: chr3-70014008-T-C.
Other names: c.869T>C, p.Met290Thr (NM_000248.4); c.1016T>C, p.Met339Thr (NM_001184967.2, NM_001354608.2); c.1187T>C, p.Met396Thr (NM_001354605.2); c.1169T>C, p.Met390Thr (NM_001354606.2, NM_006722.3); c.1121T>C, p.Met374Thr (NM_001354607.2); c.851T>C, p.Met284Thr (NM_198158.3); c.1172T>C, p.Met391Thr (NM_198159.3); c.1124T>C, p.Met375Thr (NM_198177.3); and 1 more; short protein forms M397T, M228T, M290T, M339T, M374T, M284T, M375T, M390T.
Identifiers: ClinVar variation 4108307 (VCV004108307.2).